The following is an entry in ClinVar:

ClinVar aggregate classification (germline): Uncertain significance (1 of 4 stars; one submission).

Conditions:
Autosomal recessive spinocerebellar ataxia 12. Also called: SPINOCEREBELLAR ATAXIA WITH MENTAL RETARDATION AND EPILEPSY. Identifiers: Orphanet 284282, MedGen C3280452, MONDO:0013687, OMIM 614322.
Developmental and epileptic encephalopathy, 1 (DEE1). Also called: OHTAHARA SYNDROME, X-LINKED; INFANTILE SPASM SYNDROME, X-LINKED 1; X-linked infantile spasms; West's syndrome; Tonic spasms with clustering, arrest of psychomotor development and hypsarrhythmia on EEG; X-Linked Infantile Spasm Syndrome. Identifiers: MedGen C3463992, MONDO:0010632, OMIM 308350. Disease mechanism: loss of function.

Submission:

Labcorp Genetics (formerly Invitae), Labcorp
Classification: Uncertain significance for Developmental and epileptic encephalopathy, 1; Autosomal recessive spinocerebellar ataxia 12. Last evaluated: 2022-03-19. Review status: criteria provided, single submitter. Criteria: Invitae Variant Classification Sherloc (09022015). Collection method: clinical testing. Allele origin: germline.
Comment: Algorithms developed to predict the effect of missense changes on protein structure and function are either unavailable or do not agree on the potential impact of this missense change (SIFT: "Not Available"; PolyPhen-2: "Possibly Damaging"; Align-GVGD: "Not Available"). This variant is not present in population databases (gnomAD no frequency). This variant has not been reported in the literature in individuals affected with WWOX-related conditions. In summary, the available evidence is currently insufficient to determine the role of this variant in disease. Therefore, it has been classified as a Variant of Uncertain Significance. This sequence change replaces alanine, which is neutral and non-polar, with valine, which is neutral and non-polar, at codon 141 of the WWOX protein (p.Ala141Val).

NM_016373.4(WWOX):c.422C>T (p.Ala141Val)

Gene: WWOX (WW domain containing oxidoreductase; plus strand). Cytogenetic location: 16q23.1.
Variant type: single nucleotide variant.
Coding change: c.422C>T on transcript NM_016373.4 (MANE Select); coding-DNA position 422, C replaced by T.
Protein change: p.Ala141Val; replaces alanine 141 with valine.
Molecular consequence: missense variant. On other transcripts: non-coding transcript variant (1).
Genome position (GRCh38, 1-based): chr16:78,164,195, C>T. VCF-style: chr16-78164195-C-T. GRCh37 (hg19) VCF-style: chr16-78198092-C-T.
Other names: c.83C>T, p.Ala28Val (NM_001291997.2); c.422C>T, p.Ala141Val (NM_130791.5); short protein forms A141V, A28V.
Identifiers: ClinVar variation 1519206 (VCV001519206.8), dbSNP rs990349398, ClinGen allele CA396841518.
Genomic context (GRCh38, chr16:78,164,195, plus strand): 5'-CTGTGTTGATGTTATGTTTTCTAACATTGACTTTCCTTTAAACCATAGGGTTCGAAACCG[C>T]CAAGTCTTTTGCCCTCCATGGTGCACATGTGATCTTGGCCTGCAGGAACATGGCAAGGGC-3'
Protein context (NP_057457.1, residues 131-151): GANSGIGFET[Ala141Val]KSFALHGAHV